The following is an entry in ClinVar:

NM_000094.4(COL7A1):c.1514A>G (p.Glu505Gly)

Gene: COL7A1 (collagen type VII alpha 1 chain; minus strand). Cytogenetic location: 3p21.31.
Variant type: single nucleotide variant.
Coding change: c.1514A>G on transcript NM_000094.4 (MANE Select); coding-DNA position 1514, A replaced by G.
Protein change: p.Glu505Gly; replaces glutamic acid 505 with glycine.
Molecular consequence: missense variant.
Genome position (GRCh38, 1-based): chr3:48,591,586, T>C on the plus strand (A>G on the coding strand, the complement: COL7A1 is on the minus strand). VCF-style: chr3-48591586-T-C. GRCh37 (hg19) VCF-style: chr3-48629019-T-C.
Other names: short protein forms E505G.
Identifiers: ClinVar variation 2895619 (VCV002895619.3), dbSNP rs2531312058, ClinGen allele CA352733524.

ClinVar aggregate classification (germline): Uncertain significance (1 of 4 stars; one submission).

Submission:

Labcorp Genetics (formerly Invitae), Labcorp
Classification: Uncertain significance. Last evaluated: 2023-07-19. Review status: criteria provided, single submitter. Criteria: Invitae Variant Classification Sherloc (09022015). Collection method: clinical testing. Allele origin: germline.
Comment: In summary, the available evidence is currently insufficient to determine the role of this variant in disease. Therefore, it has been classified as a Variant of Uncertain Significance. Advanced modeling of protein sequence and biophysical properties (such as structural, functional, and spatial information, amino acid conservation, physicochemical variation, residue mobility, and thermodynamic stability) performed at Invitae indicates that this missense variant is not expected to disrupt COL7A1 protein function. This variant has not been reported in the literature in individuals affected with COL7A1-related conditions. This variant is not present in population databases (gnomAD no frequency). This sequence change replaces glutamic acid, which is acidic and polar, with glycine, which is neutral and non-polar, at codon 505 of the COL7A1 protein (p.Glu505Gly).